The following is an entry in ClinVar:

ClinVar aggregate classification (germline): Likely benign. Review status: criteria provided, single submitter (1 of 4 stars). 2 submissions from 2 submitters: Likely benign (1). 1 of the submissions does not count toward it. Last evaluated 2023-12-02.

Conditions:
POR-related disorder. Also called: POR-related condition.
Congenital adrenal hyperplasia due to cytochrome P450 oxidoreductase deficiency. Also called: DISORDERED STEROIDOGENESIS DUE TO POR DEFICIENCY. Identifiers: Orphanet 95699, MedGen C1860042, MONDO:0013310, OMIM 613571.

Allele frequency attached by ClinVar (database versions not stated): TOPMed 0.00002; gnomAD 0.00005; ExAC 0.00007.
gnomAD v4.1: 32 of 1,570,086 alleles (0.002%); highest among the groups gnomAD compares: East Asian, 0.035%; no homozygotes.

Submissions (2):

Labcorp Genetics (formerly Invitae), Labcorp
Classification: Likely benign for Congenital adrenal hyperplasia due to cytochrome P450 oxidoreductase deficiency. Last evaluated: 2023-12-02. Review status: criteria provided, single submitter. Criteria: Invitae Variant Classification Sherloc (09022015). Collection method: clinical testing. Allele origin: germline.

PreventionGenetics, part of Exact Sciences
Classification: Likely benign for POR-related condition. Last evaluated: 2022-09-20. Review status: no assertion criteria provided. Collection method: clinical testing. Allele origin: germline. Not counted in ClinVar's aggregate classification.
Comment: This variant is classified as likely benign based on ACMG/AMP sequence variant interpretation guidelines (Richards et al. 2015 PMID: 25741868, with internal and published modifications).

NM_001395413.1(POR):c.1599C>T (p.Pro533=)

Gene: POR (cytochrome p450 oxidoreductase; plus strand). Cytogenetic location: 7q11.23.
Variant type: single nucleotide variant.
Coding change: c.1599C>T on transcript NM_001395413.1 (MANE Select); coding-DNA position 1599, C replaced by T.
Protein change: p.Pro533=; no amino-acid change (proline 533 retained).
Molecular consequence: synonymous variant.
Genome position (GRCh38, 1-based): chr7:75,985,788, C>T. VCF-style: chr7-75985788-C-T. GRCh37 (hg19) VCF-style: chr7-75615106-C-T.
Other names: c.1608C>T, p.Pro536= (NM_000941.2, NM_000941.3); c.1599C>T, p.Pro533= (NM_001367562.3, NM_001382657.2, NM_001382658.3 and 1 more transcripts); c.1653C>T, p.Pro551= (NM_001382655.3); c.1449C>T, p.Pro483= (NM_001382662.3).
Identifiers: ClinVar variation 2722366 (VCV002722366.5), dbSNP rs72557948, ClinGen allele CA4304200.